The following is an entry in ClinVar:

ClinVar aggregate classification (germline): Uncertain significance (1 of 4 stars; one submission).

Conditions:
Hereditary cancer-predisposing syndrome. Also called: Hereditary neoplastic syndrome; Neoplastic Syndromes, Hereditary; Tumor predisposition; Hereditary Cancer Syndrome. Identifiers: Orphanet 140162, MedGen C0027672, MeSH D009386, MONDO:0015356.

Submission:

Ambry Genetics
Classification: Uncertain significance for Hereditary cancer-predisposing syndrome. Last evaluated: 2025-08-27. Review status: criteria provided, single submitter. Criteria: Ambry Variant Classification Scheme 2023. Collection method: clinical testing. Allele origin: germline.
Comment: The p.Y148F variant (also known as c.443A>T), located in coding exon 5 of the MUTYH gene, results from an A to T substitution at nucleotide position 443. The tyrosine at codon 148 is replaced by phenylalanine, an amino acid with highly similar properties. This amino acid position is conserved. In addition, the in silico prediction for this alteration is inconclusive. Based on the available evidence, the clinical significance of this variant remains unclear.

NM_001048174.2(MUTYH):c.359A>T (p.Tyr120Phe)

Gene: MUTYH (mutY DNA glycosylase; minus strand). Cytogenetic location: 1p34.1.
Variant type: single nucleotide variant.
Coding change: c.359A>T on transcript NM_001048174.2 (MANE Select); coding-DNA position 359, A replaced by T.
Protein change: p.Tyr120Phe; replaces tyrosine 120 with phenylalanine.
Molecular consequence: missense variant. On other transcripts: non-coding transcript variant (6), intron variant (3).
Genome position (GRCh38, 1-based): chr1:45,333,116, T>A on the plus strand (A>T on the coding strand, the complement: MUTYH is on the minus strand). VCF-style: chr1-45333116-T-A. GRCh37 (hg19) VCF-style: chr1-45798788-T-A.
Other names: c.359A>T, p.Tyr120Phe (NM_001048171.2, NM_001048173.2, NM_001407080.1 and 6 more transcripts); c.362A>T, p.Tyr121Phe (NM_001048172.2, NM_001407079.1, NM_001407086.1 and 2 more transcripts); c.443A>T, p.Tyr148Phe (NM_001128425.2); c.404A>T, p.Tyr135Phe (NM_001293190.2); c.392A>T, p.Tyr131Phe (NM_001293191.2, NM_001407077.1); c.83A>T, p.Tyr28Phe (NM_001293192.2, NM_001407091.1, NM_001293196.2); c.401A>T, p.Tyr134Phe (NM_001407083.1, NM_001407085.1, NM_001407073.1); c.380A>T, p.Tyr127Phe (NM_001407087.1); and 3 more; short protein forms Y127F, Y134F, Y131F, Y148F, Y120F, Y135F, Y145F, Y28F.
Identifiers: ClinVar variation 4113664 (VCV004113664.1).